The following is an entry in ClinVar:

ClinVar aggregate classification (germline): Benign. Review status: criteria provided, multiple submitters, no conflicts (2 of 4 stars). 12 submissions from 12 submitters: Benign (9). 3 of the submissions do not count toward it. Last evaluated 2026-02-04.

Conditions:
Pseudohypoaldosteronism type 2C (PHA2C). Also called: Pseudohypoaldosteronism Type IIC. Identifiers: Orphanet 757, Orphanet 88940, MedGen C1840391, MONDO:0013778, OMIM 614492.
Neuropathy, hereditary sensory and autonomic, type 2A (HSAN2A). Also called: ACROOSTEOLYSIS, GIACCAI TYPE; ACROOSTEOLYSIS, NEUROGENIC; MORVAN DISEASE; NEUROPATHY, CONGENITAL SENSORY; NEUROPATHY, HEREDITARY SENSORY RADICULAR, AUTOSOMAL RECESSIVE; NEUROPATHY, HEREDITARY SENSORY, TYPE IIA. Identifiers: Orphanet 970, MedGen C2752089, MONDO:0024309, OMIM 201300.

Allele frequency attached by ClinVar (database versions not stated): ESP Exome Variant Server 0.68553; 1000 Genomes Project 30x 0.69051; 1000 Genomes Project 0.69349; TOPMed 0.69554; gnomAD 0.71926; ExAC 0.74509; gnomAD exomes 0.74971 and 0.75268.
gnomAD v4.1: 1,206,492 of 1,613,654 alleles (75%); highest among the groups gnomAD compares: East Asian, 88%; 453,569 homozygotes.

Submissions (12):

Labcorp Genetics (formerly Invitae), Labcorp
Classification: Benign for Neuropathy, hereditary sensory and autonomic, type 2A; Pseudohypoaldosteronism type 2C. Last evaluated: 2026-02-04. Review status: criteria provided, single submitter. Criteria: Invitae Variant Classification Sherloc (09022015). Collection method: clinical testing. Allele origin: germline.

Blueprint Genetics
Classification: Benign. Last evaluated: 2024-11-27. Review status: criteria provided, single submitter. Criteria: ACMG Guidelines, 2015. Collection method: clinical testing. Allele origin: germline.

Mayo Clinic Laboratories, Mayo Clinic
Classification: Benign. Last evaluated: 2022-03-09. Review status: criteria provided, single submitter. Criteria: ACMG Guidelines, 2015. Collection method: clinical testing. Allele origin: germline. Observed: 2,140 variant alleles.

Genome-Nilou Lab
Classification: Benign for Neuropathy, hereditary sensory and autonomic, type 2A. Last evaluated: 2021-07-14. Review status: criteria provided, single submitter. Criteria: ACMG Guidelines, 2015. Collection method: clinical testing. Allele origin: germline. Affected: no.

Illumina Laboratory Services, Illumina
Classification: Benign for Pseudohypoaldosteronism type 2C. Last evaluated: 2018-01-13. Review status: criteria provided, single submitter. Criteria: ICSL Variant Classification Criteria 13 December 2019. Collection method: clinical testing. Allele origin: germline.
Comment: This variant was observed in the ICSL laboratory as part of a predisposition screen in an ostensibly healthy population. It had not been previously curated by ICSL or reported in the Human Gene Mutation Database (HGMD: prior to June 1st, 2018), and was therefore a candidate for classification through an automated scoring system. Utilizing variant allele frequency, disease prevalence and penetrance estimates, and inheritance mode, an automated score was calculated to assess if this variant is too frequent to cause the disease. Based on the score and internal cut-off values, a variant classified as benign is not then subjected to further curation. The score for this variant resulted in a classification of benign for this disease.

Athena Diagnostics
Classification: Benign for Neuropathy, hereditary sensory and autonomic, type 2A. Last evaluated: 2017-06-12. Review status: criteria provided, single submitter. Criteria: Athena Diagnostics Criteria. Collection method: clinical testing. Allele origin: germline.

GeneDx
Classification: Benign. Last evaluated: 2015-03-03. Review status: criteria provided, single submitter. Criteria: GeneDx Variant Classification Process June 2021. Collection method: clinical testing. Allele origin: germline. Affected: yes.

Breakthrough Genomics
Classification: Benign. Review status: criteria provided, single submitter. Criteria: ACMG Guidelines, 2015. Collection method: not provided. Allele origin: germline. Inheritance: Autosomal recessive inheritance. Affected: yes.

PreventionGenetics, part of Exact Sciences
Classification: Benign. Review status: criteria provided, single submitter. Criteria: ACMG Guidelines, 2015. Collection method: clinical testing. Allele origin: germline.

Clinical Genetics, Academic Medical Center
Classification: Benign. Review status: no assertion criteria provided. Collection method: clinical testing. Allele origin: germline. Affected: yes. Study: VKGL Data-share Consensus. Not counted in ClinVar's aggregate classification.

Diagnostic Laboratory, Department of Genetics, University Medical Center Groningen
Classification: Benign. Review status: no assertion criteria provided. Collection method: clinical testing. Allele origin: germline. Affected: yes. Study: VKGL Data-share Consensus. Not counted in ClinVar's aggregate classification.

Joint Genome Diagnostic Labs from Nijmegen and Maastricht, Radboudumc and MUMC+
Classification: Benign. Review status: no assertion criteria provided. Collection method: clinical testing. Allele origin: germline. Affected: yes. Study: VKGL Data-share Consensus. Not counted in ClinVar's aggregate classification.

NM_018979.4(WNK1):c.1287A>G (p.Ala429=)

Gene: WNK1 (WNK lysine deficient protein kinase 1; plus strand). Cytogenetic location: 12p13.33.
Variant type: single nucleotide variant.
Coding change: c.1287A>G on transcript NM_018979.4 (MANE Select); coding-DNA position 1287, A replaced by G.
Protein change: p.Ala429=; no amino-acid change (alanine 429 retained).
Molecular consequence: synonymous variant.
Genome position (GRCh38, 1-based): chr12:830,136, A>G. VCF-style: chr12-830136-A-G. GRCh37 (hg19) VCF-style: chr12-939302-A-G.
Other names: p.Ala429=; c.1287A>G, p.Ala429= (NM_001184985.2, NM_014823.3, NM_213655.5).
Identifiers: ClinVar variation 261066 (VCV000261066.29), dbSNP rs10774466, ClinGen allele CA6381910.